The following is an entry in ClinVar:

NM_014159.7(SETD2):c.4220G>T (p.Arg1407Met)

Gene: SETD2 (SET domain containing 2, histone lysine methyltransferase; minus strand). Cytogenetic location: 3p21.31.
Variant type: single nucleotide variant.
Coding change: c.4220G>T on transcript NM_014159.7 (MANE Select); coding-DNA position 4220, G replaced by T.
Protein change: p.Arg1407Met; replaces arginine 1407 with methionine.
Molecular consequence: missense variant. On other transcripts: non-coding transcript variant (1).
Genome position (GRCh38, 1-based): chr3:47,120,416, C>A on the plus strand (G>T on the coding strand, the complement: SETD2 is on the minus strand). VCF-style: chr3-47120416-C-A. GRCh37 (hg19) VCF-style: chr3-47161906-C-A.
Other names: c.4088G>T, p.Arg1363Met (NM_001349370.3); short protein forms R1363M, R1407M.
Identifiers: ClinVar variation 939395 (VCV000939395.6), dbSNP rs2043025067, ClinGen allele CA352518143.

ClinVar aggregate classification (germline): Uncertain significance (1 of 4 stars; one submission).

Conditions:
Luscan-Lumish syndrome. Identifiers: Orphanet 597738, MedGen C4085873, MONDO:0014791, OMIM 616831.

Submission:

Labcorp Genetics (formerly Invitae), Labcorp
Classification: Uncertain significance for Luscan-Lumish syndrome. Last evaluated: 2019-05-19. Review status: criteria provided, single submitter. Criteria: Invitae Variant Classification Sherloc (09022015). Collection method: clinical testing. Allele origin: germline.
Comment: This sequence change replaces arginine with methionine at codon 1407 of the SETD2 protein (p.Arg1407Met). The arginine residue is highly conserved and there is a moderate physicochemical difference between arginine and methionine. This variant is not present in population databases (ExAC no frequency). This variant has not been reported in the literature in individuals with SETD2-related conditions. Algorithms developed to predict the effect of missense changes on protein structure and function are either unavailable or do not agree on the potential impact of this missense change (SIFT: "Deleterious"; PolyPhen-2: "Probably Damaging"; Align-GVGD: "Class C0"). In summary, the available evidence is currently insufficient to determine the role of this variant in disease. Therefore, it has been classified as a Variant of Uncertain Significance.